The following is an entry in ClinVar:

NM_001982.4(ERBB3):c.1493A>T (p.Lys498Ile)

Gene: ERBB3 (erb-b2 receptor tyrosine kinase 3; plus strand). Cytogenetic location: 12q13.2.
Variant type: single nucleotide variant.
Coding change: c.1493A>T on transcript NM_001982.4 (MANE Select); coding-DNA position 1493, A replaced by T.
Protein change: p.Lys498Ile; replaces lysine 498 with isoleucine.
Molecular consequence: missense variant.
Genome position (GRCh38, 1-based): chr12:56,093,776, A>T. VCF-style: chr12-56093776-A-T. GRCh37 (hg19) VCF-style: chr12-56487560-A-T.
Other names: short protein forms K498I.
Identifiers: ClinVar variation 4811711 (VCV004811711.2).

ClinVar aggregate classification (germline): Benign/Likely benign. Review status: criteria provided, multiple submitters, no conflicts (2 of 4 stars). 2 submissions from 2 submitters: Benign (1); Likely benign (1). Last evaluated 2025-12-30.

Conditions:
ERBB3-related disorder. Also called: ERBB3-related condition.

gnomAD v4.1: 421 of 1,614,036 alleles (0.026%); highest among the groups gnomAD compares: East Asian, 0.75%; 2 homozygotes.

Submissions (2):

Labcorp Genetics (formerly Invitae), Labcorp
Classification: Benign. Last evaluated: 2025-12-30. Review status: criteria provided, single submitter. Criteria: Invitae Variant Classification Sherloc (09022015). Collection method: clinical testing. Allele origin: germline.

PreventionGenetics, part of Exact Sciences
Classification: Likely benign for ERBB3-related condition. Last evaluated: 2024-12-13. Review status: criteria provided, single submitter. Criteria: ACMG Guidelines, 2015. Collection method: clinical testing. Allele origin: germline.
Comment: This variant is classified as likely benign based on ACMG/AMP sequence variant interpretation guidelines (Richards et al. 2015 PMID: 25741868, with internal and published modifications).